The following is an entry in ClinVar:

NM_018706.7(DHTKD1):c.446G>A (p.Arg149Gln)

Gene: DHTKD1 (dehydrogenase E1 and transketolase domain containing 1; plus strand). Cytogenetic location: 10p14.
Variant type: single nucleotide variant.
Coding change: c.446G>A on transcript NM_018706.7 (MANE Select); coding-DNA position 446, G replaced by A.
Protein change: p.Arg149Gln; replaces arginine 149 with glutamine.
Molecular consequence: missense variant.
Genome position (GRCh38, 1-based): chr10:12,084,675, G>A. VCF-style: chr10-12084675-G-A. GRCh37 (hg19) VCF-style: chr10-12126674-G-A.
Other names: short protein forms R149Q.
Identifiers: ClinVar variation 1033499 (VCV001033499.8), dbSNP rs773052090, ClinGen allele CA5407538.

ClinVar aggregate classification (germline): Uncertain significance. Review status: criteria provided, multiple submitters, no conflicts (2 of 4 stars). 3 submissions from 3 submitters: Uncertain significance (3). Last evaluated 2025-10-19.

Conditions:
Inborn genetic diseases. Identifiers: MedGen C0950123, MeSH D030342.
2-aminoadipic 2-oxoadipic aciduria (AAKAD). Also called: Aminoadipic aciduria; ALPHA-AMINOADIPIC AND ALPHA-KETOADIPIC ACIDURIA. Identifiers: Orphanet 79154, MedGen C1859817, MONDO:0008774, OMIM 204750.

Allele frequency attached by ClinVar (database versions not stated): ExAC 0.00002; gnomAD exomes 0.00003; TOPMed 0.00003; gnomAD 0.00004.

Submissions (3):

Labcorp Genetics (formerly Invitae), Labcorp
Classification: Uncertain significance for 2-aminoadipic 2-oxoadipic aciduria. Last evaluated: 2025-10-19. Review status: criteria provided, single submitter. Criteria: Invitae Variant Classification Sherloc (09022015). Collection method: clinical testing. Allele origin: germline.
Comment: This sequence change replaces arginine, which is basic and polar, with glutamine, which is neutral and polar, at codon 149 of the DHTKD1 protein (p.Arg149Gln). This variant is present in population databases (rs773052090, gnomAD 0.008%). This variant has not been reported in the literature in individuals affected with DHTKD1-related conditions. ClinVar contains an entry for this variant (Variation ID: 1033499). Invitae Evidence Modeling of protein sequence and biophysical properties (such as structural, functional, and spatial information, amino acid conservation, physicochemical variation, residue mobility, and thermodynamic stability) indicates that this missense variant is not expected to disrupt DHTKD1 protein function with a negative predictive value of 80%. In summary, the available evidence is currently insufficient to determine the role of this variant in disease. Therefore, it has been classified as a Variant of Uncertain Significance.

Ambry Genetics
Classification: Uncertain significance for Inborn genetic diseases. Last evaluated: 2022-12-01. Review status: criteria provided, single submitter. Criteria: Ambry Variant Classification Scheme 2023. Collection method: clinical testing. Allele origin: germline.

Baylor Genetics
Classification: Uncertain significance for 2-aminoadipic 2-oxoadipic aciduria. Last evaluated: 2018-01-18. Review status: criteria provided, single submitter. Criteria: ACMG Guidelines, 2015. Collection method: clinical testing. Allele origin: paternal. Affected: yes.
Comment: This variant was determined to be of uncertain significance according to ACMG Guidelines, 2015 [PMID:25741868].